The following is an entry in ClinVar:

ClinVar aggregate classification (germline): Uncertain significance (1 of 4 stars; one submission).

Conditions:
Hereditary cancer-predisposing syndrome. Also called: Neoplastic Syndromes, Hereditary; Tumor predisposition; Hereditary Cancer Syndrome; Hereditary neoplastic syndrome. Identifiers: Orphanet 140162, MedGen C0027672, MeSH D009386, MONDO:0015356.

Submission:

Ambry Genetics
Classification: Uncertain significance for Hereditary cancer-predisposing syndrome. Last evaluated: 2021-04-02. Review status: criteria provided, single submitter. Criteria: Ambry Variant Classification Scheme 2023. Collection method: clinical testing. Allele origin: germline.
Comment: The p.M2713I variant (also known as c.8139G>A), located in coding exon 15 of the APC gene, results from a G to A substitution at nucleotide position 8139. The methionine at codon 2713 is replaced by isoleucine, an amino acid with highly similar properties. This amino acid position is poorly conserved in available vertebrate species. In addition, in silico predictors for this gene do not accurately predict pathogenicity. Since supporting evidence is limited at this time, the clinical significance of this alteration remains unclear.

NM_000038.6(APC):c.8139G>A (p.Met2713Ile)

Gene: APC (APC regulator of Wnt signaling pathway; plus strand). Cytogenetic location: 5q22.2.
Variant type: single nucleotide variant.
Coding change: c.8139G>A on transcript NM_000038.6 (MANE Select); coding-DNA position 8139, G replaced by A.
Protein change: p.Met2713Ile; replaces methionine 2713 with isoleucine.
Molecular consequence: missense variant.
Genome position (GRCh38, 1-based): chr5:112,843,733, G>A. VCF-style: chr5-112843733-G-A. GRCh37 (hg19) VCF-style: chr5-112179430-G-A.
Other names: c.8139G>A, p.Met2713Ile (NM_001127510.3, NM_001354895.2, NM_001407450.1); c.8085G>A, p.Met2695Ile (NM_001127511.3); c.8193G>A, p.Met2731Ile (NM_001354896.2, NM_001407447.1, NM_001407448.1 and 1 more transcripts); c.8169G>A, p.Met2723Ile (NM_001354897.2); c.8064G>A, p.Met2688Ile (NM_001354898.2); c.8055G>A, p.Met2685Ile (NM_001354899.2); c.8016G>A, p.Met2672Ile (NM_001354900.2); c.7962G>A, p.Met2654Ile (NM_001354901.2, NM_001407453.1); and 11 more; short protein forms M2430I, M2553I, M2587I, M2695I, M2329I, M2654I, M2685I, M2703I.
Identifiers: ClinVar variation 1762143 (VCV001762143.2), dbSNP rs1580690486, ClinGen allele CA16039007.
Genomic context (GRCh38, chr5:112,843,733, plus strand): 5'-CATTAAAGATTCAAAAGATAATCAGGCAAAACAAAATGTGGGTAATGGCAGTGTTCCCAT[G>A]CGTACCGTGGGTTTGGAAAATCGCCTGAACTCCTTTATTCAGGTGGATGCCCCTGACCAA-3'
Protein context (NP_000029.2, residues 2703-2723): KQNVGNGSVP[Met2713Ile]RTVGLENRLN